The following is an entry in ClinVar:

ClinVar aggregate classification (germline): Uncertain significance (1 of 4 stars; one submission).

gnomAD v4.1: 7 of 1,613,906 alleles (0.00043%); highest among the groups gnomAD compares: South Asian, 0.0033%; no homozygotes.

Submission:

Labcorp Genetics (formerly Invitae), Labcorp
Classification: Uncertain significance. Last evaluated: 2025-02-23. Review status: criteria provided, single submitter. Criteria: Invitae Variant Classification Sherloc (09022015). Collection method: clinical testing. Allele origin: germline.
Comment: This sequence change replaces threonine, which is neutral and polar, with methionine, which is neutral and non-polar, at codon 124 of the ANGPT1 protein (p.Thr124Met). This variant is present in population databases (rs573252778, gnomAD 0.003%). This variant has not been reported in the literature in individuals affected with ANGPT1-related conditions. An algorithm developed to predict the effect of missense changes on protein structure and function (PolyPhen-2) suggests that this variant is likely to be disruptive. In summary, the available evidence is currently insufficient to determine the role of this variant in disease. Therefore, it has been classified as a Variant of Uncertain Significance.

NM_001146.5(ANGPT1):c.371C>T (p.Thr124Met)

Gene: ANGPT1 (angiopoietin 1; minus strand). Cytogenetic location: 8q23.1.
Variant type: single nucleotide variant.
Coding change: c.371C>T on transcript NM_001146.5 (MANE Select); coding-DNA position 371, C replaced by T.
Protein change: p.Thr124Met; replaces threonine 124 with methionine.
Molecular consequence: missense variant.
Genome position (GRCh38, 1-based): chr8:107,347,024, G>A on the plus strand (C>T on the coding strand, the complement: ANGPT1 is on the minus strand). VCF-style: chr8-107347024-G-A. GRCh37 (hg19) VCF-style: chr8-108359252-G-A.
Other names: c.371C>T, p.Thr124Met (NM_001199859.3); short protein forms T124M.
Identifiers: ClinVar variation 4775675 (VCV004775675.1).